The following is an entry in ClinVar:

NM_018699.4(PRDM5):c.1030+1G>A

Gene: PRDM5 (PR/SET domain 5; minus strand). Cytogenetic location: 4q27.
Variant type: single nucleotide variant.
Coding change: c.1030+1G>A on transcript NM_018699.4 (MANE Select); the canonical splice donor site of the intron after coding-DNA position 1030, G replaced by A.
Molecular consequence: splice donor variant.
Genome position (GRCh38, 1-based): chr4:120,799,660, C>T on the plus strand (G>A on the coding strand, the complement: PRDM5 is on the minus strand). VCF-style: chr4-120799660-C-T. GRCh37 (hg19) VCF-style: chr4-121720815-C-T.
Other names: c.937+1G>A (NM_001300824.2, NM_001379106.1, NM_001300823.2); c.1030+1G>A (NM_001379104.1).
Identifiers: ClinVar variation 4848735 (VCV004848735.1).

ClinVar aggregate classification (germline): Likely pathogenic (1 of 4 stars; one submission).

Conditions:
Brittle cornea syndrome 2 (BCS2). Identifiers: Orphanet 90354, MedGen C3280011, MONDO:0013605, OMIM 614170.

Submission:

Women's Health and Genetics/Laboratory Corporation of America, LabCorp
Classification: Likely pathogenic for Brittle cornea syndrome 2. Last evaluated: 2026-04-08. Review status: criteria provided, single submitter. Criteria: LabCorp Variant Classification Summary - May 2015. Collection method: clinical testing. Allele origin: germline.
Comment: Variant summary: PRDM5 c.1030+1G>A is located in a canonical splice-site and is predicted to affect mRNA splicing resulting in a significantly altered protein due to either exon skipping, shortening, or inclusion of intronic material. Variants that disrupt the consensus splice site are a relatively common cause of aberrant splicing and loss of PRDM5 function. Computational tools predict a significant impact on normal splicing: Three predict the variant abolishes a canonical 5' splicing donor site. However, these predictions have yet to be confirmed by functional studies. The variant was absent in 250270 control chromosomes (gnomAD). To our knowledge, no occurrence of c.1030+1G>A in individuals affected with PRDM5-related conditions and no experimental evidence demonstrating its impact on protein function have been reported. No submitters have cited clinical-significance assessments for this variant to ClinVar. Based on the evidence outlined above, the variant was classified as likely pathogenic.